The following is an entry in ClinVar:

ClinVar aggregate classification (germline): Pathogenic (1 of 4 stars; one submission).

Submission:

CeGaT Center for Human Genetics Tuebingen
Classification: Pathogenic. Last evaluated: 2026-08-01. Review status: criteria provided, single submitter. Criteria: CeGaT Center For Human Genetics Tuebingen Variant Classification Criteria Version 2. Collection method: clinical testing. Allele origin: germline. Affected: yes. Observed: 2 variant alleles.
Comment: ZMYM2: PVS1, PM2

NM_197968.4(ZMYM2):c.2329_2330insGC (p.Leu777fs)

Gene: ZMYM2 (zinc finger MYM-type containing 2; plus strand). Cytogenetic location: 13q12.11.
Variant type: Insertion.
Coding change: c.2329_2330insGC on transcript NM_197968.4 (MANE Select); coding-DNA positions 2329 to 2330, GC inserted.
Protein change: p.Leu777fs; shifts the reading frame from leucine 777.
Molecular consequence: frameshift variant. On other transcripts: non-coding transcript variant (1).
Genome position: GRCh38 VCF-style: chr13-20051468-T-TCG. GRCh37 (hg19) VCF-style: chr13-20625608-T-TCG.
Other names: c.2329_2330insGC, p.Leu777fs (NM_001190964.4, NM_001190965.4, NM_001353157.2 and 5 more transcripts); c.2134_2135insGC, p.Leu712fs (NM_001353161.3); c.2068_2069insGC, p.Leu690fs (NM_001353163.2); short protein forms L690fs, L712fs, L777fs.
Identifiers: ClinVar variation 3389579 (VCV003389579.14).
Genomic context (GRCh38, chr13:20,051,468, plus strand): 5'-CTGAAACCTTCCTTTTTAAATTAAGGCTGCAAGGTGTGACTGTTGTAAATCTCAAGGAAC[T>TCG]CTTAAAGAGCGAGTTCAGTGGCGTGGGGAAATGAAACATTTCTGTGATCAACATTGCTTA-3'